The following is an entry in ClinVar:

ClinVar aggregate classification (germline): Uncertain significance (1 of 4 stars; one submission).

Submission:

CeGaT Center for Human Genetics Tuebingen
Classification: Uncertain significance. Last evaluated: 2023-01-01. Review status: criteria provided, single submitter. Criteria: CeGaT Center For Human Genetics Tuebingen Variant Classification Criteria Version 2. Collection method: clinical testing. Allele origin: germline. Affected: yes. Observed: 1 variant allele.
Comment: ATP6V1B2: PM2

NM_001693.4(ATP6V1B2):c.762G>A (p.Met254Ile)

Gene: ATP6V1B2 (ATPase H+ transporting V1 subunit B2; plus strand). Cytogenetic location: 8p21.3.
Variant type: single nucleotide variant.
Coding change: c.762G>A on transcript NM_001693.4 (MANE Select); coding-DNA position 762, G replaced by A.
Protein change: p.Met254Ile; replaces methionine 254 with isoleucine.
Molecular consequence: missense variant.
Genome position (GRCh38, 1-based): chr8:20,212,158, G>A. VCF-style: chr8-20212158-G-A. GRCh37 (hg19) VCF-style: chr8-20069669-G-A.
Other names: short protein forms M254I.
Identifiers: ClinVar variation 2499071 (VCV002499071.28), dbSNP rs2486463832, ClinGen allele CA370472323.